The following is an entry in ClinVar:

NM_002474.3(MYH11):c.5886C>T (p.Asp1962=)

Genes: MYH11 (myosin heavy chain 11; minus strand), NDE1 (nudE neurodevelopment protein 1; plus strand). Cytogenetic location: 16p13.11.
Variant type: single nucleotide variant.
Coding change: c.5886C>T on transcript NM_002474.3 (MANE Select); coding-DNA position 5886, C replaced by T.
Protein change: p.Asp1962=; no amino-acid change (aspartic acid 1962 retained).
Molecular consequence: synonymous variant. On other transcripts: 3 prime UTR variant (2), intron variant (2).
Genome position (GRCh38, 1-based): chr16:15,704,024, G>A on the plus strand (C>T on the coding strand, the complement: MYH11 is on the minus strand). VCF-style: chr16-15704024-G-A. GRCh37 (hg19) VCF-style: chr16-15797881-G-A.
Other names: c.5907C>T (NM_001040114.1); c.*108C>T (NM_001040113.2, NM_022844.3); c.5907C>T, p.Asp1969= (NM_001040114.2); c.947+7164G>A (NM_001143979.2, NM_017668.3).
Identifiers: ClinVar variation 318087 (VCV000318087.13), dbSNP rs140789717, ClinGen allele CA7921044.

ClinVar aggregate classification (germline): Conflicting classifications of pathogenicity. Review status: criteria provided, conflicting classifications (1 of 4 stars). 5 submissions from 5 submitters: Uncertain significance (1); Likely benign (4). Last evaluated 2025-09-23.

Conditions:
Aortic aneurysm, familial thoracic 4 (AAT4). Also called: AORTIC ANEURYSM/AORTIC DISSECTION AND PATENT DUCTUS ARTERIOSUS. Identifiers: MedGen C1851504, MONDO:0007568, OMIM 132900.
MYH11-related disorder. Also called: MYH11-related condition.
Familial thoracic aortic aneurysm and aortic dissection (TAAD). Also called: Thoracic aortic aneurysms and dissections. Identifiers: Orphanet 91387, MedGen C4707243, MONDO:0019625.

Allele frequency attached by ClinVar (database versions not stated): gnomAD 0.00007 and 0.00009; TOPMed 0.00007; gnomAD exomes 0.00014; ESP Exome Variant Server 0.00015; ExAC 0.00026; 1000 Genomes Project 30x 0.00047; 1000 Genomes Project 0.00060.
gnomAD v4.1: 121 of 1,614,032 alleles (0.0075%); highest among the groups gnomAD compares: African/African-American, 0.012%; no homozygotes.

Submissions (5):

PreventionGenetics, part of Exact Sciences
Classification: Likely benign for MYH11-related condition. Last evaluated: 2025-09-23. Review status: criteria provided, single submitter. Criteria: ACMG Guidelines, 2015. Collection method: clinical testing. Allele origin: germline.
Comment: This variant is classified as likely benign based on ACMG/AMP sequence variant interpretation guidelines (Richards et al. 2015 PMID: 25741868, with internal and published modifications).

Blueprint Genetics
Classification: Likely benign. Last evaluated: 2024-08-27. Review status: criteria provided, single submitter. Criteria: ACMG Guidelines, 2015. Collection method: clinical testing. Allele origin: germline.

Color Diagnostics, LLC DBA Color Health
Classification: Likely benign for Familial thoracic aortic aneurysm and aortic dissection. Last evaluated: 2018-08-05. Review status: criteria provided, single submitter. Criteria: ACMG Guidelines, 2015. Collection method: clinical testing. Allele origin: germline.

Illumina Laboratory Services, Illumina
Classification: Uncertain significance for Aortic aneurysm, familial thoracic 4. Last evaluated: 2018-01-12. Review status: criteria provided, single submitter. Criteria: ICSL Variant Classification Criteria 13 December 2019. Collection method: clinical testing. Allele origin: germline.

Ambry Genetics
Classification: Likely benign for Familial thoracic aortic aneurysm and aortic dissection. Last evaluated: 2017-07-21. Review status: criteria provided, single submitter. Criteria: Ambry Variant Classification Scheme 2023. Collection method: clinical testing. Allele origin: germline.